The following is an entry in ClinVar:

NM_005120.3(MED12):c.4997C>T (p.Ala1666Val)

Gene: MED12 (mediator complex subunit 12; plus strand). Cytogenetic location: Xq13.1.
Variant type: single nucleotide variant.
Coding change: c.4997C>T on transcript NM_005120.3 (MANE Select); coding-DNA position 4997, C replaced by T.
Protein change: p.Ala1666Val; replaces alanine 1666 with valine.
Molecular consequence: missense variant.
Genome position (GRCh38, 1-based): chrX:71,135,225, C>T. VCF-style: chrX-71135225-C-T. GRCh37 (hg19) VCF-style: chrX-70355075-C-T.
Other names: short protein forms A1666V.
Identifiers: ClinVar variation 1219759 (VCV001219759.7), dbSNP rs2092329067, ClinGen allele CA413533238.

ClinVar aggregate classification (germline): Uncertain significance. Review status: criteria provided, multiple submitters, no conflicts (2 of 4 stars). 4 submissions from 4 submitters: Uncertain significance (4). Last evaluated 2026-01-25.

Conditions:
FG syndrome (FGS). Identifiers: MedGen C0220769, MONDO:0002010.
Familial thoracic aortic aneurysm and aortic dissection (TAAD). Also called: Thoracic aortic aneurysms and dissections. Identifiers: Orphanet 91387, MedGen C4707243, MONDO:0019625.
MED12-Related Disorders. Also called: MED12-related condition; MED12-related disorder. Identifiers: MedGen CN381102.

Allele frequency attached by ClinVar (database versions not stated): gnomAD exomes below 0.00001; TOPMed below 0.00001.

Submissions (4):

Labcorp Genetics (formerly Invitae), Labcorp
Classification: Uncertain significance for FG syndrome. Last evaluated: 2026-01-25. Review status: criteria provided, single submitter. Criteria: Invitae Variant Classification Sherloc (09022015). Collection method: clinical testing. Allele origin: germline.
Comment: This sequence change replaces alanine, which is neutral and non-polar, with valine, which is neutral and non-polar, at codon 1666 of the MED12 protein (p.Ala1666Val). This variant is not present in population databases (gnomAD no frequency). This variant has not been reported in the literature in individuals affected with MED12-related conditions. ClinVar contains an entry for this variant (Variation ID: 1219759). Invitae Evidence Modeling of protein sequence and biophysical properties (such as structural, functional, and spatial information, amino acid conservation, physicochemical variation, residue mobility, and thermodynamic stability) has been performed for this missense variant. However, the output from this modeling did not meet the statistical confidence thresholds required to predict the impact of this variant on MED12 protein function. In summary, the available evidence is currently insufficient to determine the role of this variant in disease. Therefore, it has been classified as a Variant of Uncertain Significance.

PreventionGenetics, part of Exact Sciences
Classification: Uncertain significance for MED12-related condition. Last evaluated: 2025-10-02. Review status: criteria provided, single submitter. Criteria: ACMG Guidelines, 2015. Collection method: clinical testing. Allele origin: germline.
Comment: The MED12 c.4997C>T variant is predicted to result in the amino acid substitution p.Ala1666Val. To our knowledge, this variant has not been reported in the literature or in a large population database (gnomAD), indicating this variant is rare. At this time, the clinical significance of this variant is uncertain due to the absence of conclusive functional and genetic evidence.

GeneDx
Classification: Uncertain significance. Last evaluated: 2020-03-20. Review status: criteria provided, single submitter. Criteria: GeneDx Variant Classification Process June 2021. Collection method: clinical testing. Allele origin: germline. Affected: yes.
Comment: Has not been previously published as pathogenic or benign to our knowledge; Not observed in large population cohorts (Lek et al., 2016); In silico analysis, which includes protein predictors and evolutionary conservation, supports a deleterious effect

Ambry Genetics
Classification: Uncertain significance for Familial thoracic aortic aneurysm and aortic dissection. Last evaluated: 2020-01-06. Review status: criteria provided, single submitter. Criteria: Ambry Variant Classification Scheme 2023. Collection method: clinical testing. Allele origin: germline.
Comment: The p.A1666V variant (also known as c.4997C>T), located in coding exon 36 of the MED12 gene, results from a C to T substitution at nucleotide position 4997. The alanine at codon 1666 is replaced by valine, an amino acid with similar properties. This amino acid position is highly conserved in available vertebrate species. In addition, the in silico prediction for this alteration is inconclusive. Since supporting evidence is limited at this time, the clinical significance of this alteration remains unclear.